The following is an entry in ClinVar:

ClinVar aggregate classification (germline): Pathogenic (1 of 4 stars; one submission).

Submission:

Labcorp Genetics (formerly Invitae), Labcorp
Classification: Pathogenic. Last evaluated: 2022-12-21. Review status: criteria provided, single submitter. Criteria: Invitae Variant Classification Sherloc (09022015). Collection method: clinical testing. Allele origin: germline.
Comment: This variant is not present in population databases (gnomAD no frequency). This sequence change creates a premature translational stop signal (p.Leu874Glyfs*14) in the GRIP1 gene. It is expected to result in an absent or disrupted protein product. Loss-of-function variants in GRIP1 are known to be pathogenic (PMID: 22510445, 24357607). For these reasons, this variant has been classified as Pathogenic. This variant has not been reported in the literature in individuals affected with GRIP1-related conditions.

Literature cited by the submitters: PubMed 22510445; PubMed 24357607.

NM_001366722.1(GRIP1):c.2775_2776del (p.Leu926fs)

Gene: GRIP1 (glutamate receptor interacting protein 1; minus strand). Cytogenetic location: 12q14.3.
Variant type: Microsatellite.
Coding change: c.2775_2776del on transcript NM_001366722.1 (MANE Select); coding-DNA positions 2775 to 2776, 2 bases deleted (CT; older notation c.2775_2776delCT).
Protein change: p.Leu926fs; shifts the reading frame from leucine 926.
Molecular consequence: frameshift variant. On other transcripts: intron variant (5).
Genome position (GRCh38, 1-based): chr12:66,377,019-66,377,020, AG deleted on the plus strand (CT on the coding strand, the reverse complement: GRIP1 is on the minus strand); deleting any 2 consecutive bases within chr12:66,377,019-66,377,024 gives the same sequence; the c. name uses the placement nearest the transcript's 3' end. VCF-style (leftmost placement, unchanged base first): chr12-66377018-AAG-A. GRCh37 (hg19) VCF-style: chr12-66770798-AAG-A.
Other names: c.2694_2695del, p.Leu899fs (NM_001366723.1); c.2697_2698del, p.Leu900fs (NM_001366724.1); c.2853_2854del, p.Leu952fs (NM_001379345.1); c.2622_2623del, p.Leu875fs (NM_001379349.1); c.2619_2620del, p.Leu874fs (NM_021150.4); c.2577+150CT[2] (NM_001379351.1, NM_001178074.2); c.2652+150CT[2] (NM_001379348.1); c.2655+150CT[2] (NM_001379347.1); and 1 more; short protein forms L874fs, L875fs, L900fs, L899fs, L926fs, L952fs.
Identifiers: ClinVar variation 2788488 (VCV002788488.3), dbSNP rs2055816762, ClinGen allele CA2042995412.